The following is an entry in ClinVar:

NM_006231.4(POLE):c.912C>T (p.Gly304=)

Gene: POLE (DNA polymerase epsilon, catalytic subunit; minus strand). Cytogenetic location: 12q24.33.
Variant type: single nucleotide variant.
Coding change: c.912C>T on transcript NM_006231.4 (MANE Select); coding-DNA position 912, C replaced by T.
Protein change: p.Gly304=; no amino-acid change (glycine 304 retained).
Molecular consequence: synonymous variant.
Genome position (GRCh38, 1-based): chr12:132,676,202, G>A on the plus strand (C>T on the coding strand, the complement: POLE is on the minus strand). VCF-style: chr12-132676202-G-A. GRCh37 (hg19) VCF-style: chr12-133252788-G-A.
Identifiers: ClinVar variation 421135 (VCV000421135.34), dbSNP rs1064794932, ClinGen allele CA16619482.

ClinVar aggregate classification (germline): Conflicting classifications of pathogenicity. Review status: criteria provided, conflicting classifications (1 of 4 stars). 5 submissions from 5 submitters: Uncertain significance (2); Benign (1); Likely benign (2). Last evaluated 2025-11-26.

Conditions:
Hereditary cancer-predisposing syndrome. Also called: Hereditary neoplastic syndrome; Tumor predisposition; Neoplastic Syndromes, Hereditary; Hereditary Cancer Syndrome. Identifiers: Orphanet 140162, MedGen C0027672, MeSH D009386, MONDO:0015356.
Colorectal cancer, susceptibility to, 12 (CRCS12). Also called: COLORECTAL CANCER, SUSCEPTIBILITY TO, ON CHROMOSOME 12q24. Identifiers: Orphanet 220460, MedGen C3554460, MONDO:0014038, OMIM 615083.

Allele frequency attached by ClinVar (database versions not stated): gnomAD exomes 0.00001; TOPMed 0.00002; gnomAD 0.00004.
gnomAD v4.1: 17 of 1,609,360 alleles (0.0011%); highest among the groups gnomAD compares: Non-Finnish European, 0.0014%; no homozygotes.

Submissions (5):

Labcorp Genetics (formerly Invitae), Labcorp
Classification: Likely benign. Last evaluated: 2025-11-26. Review status: criteria provided, single submitter. Criteria: Invitae Variant Classification Sherloc (09022015). Collection method: clinical testing. Allele origin: germline.

Myriad Genetics, Inc.
Classification: Benign for Colorectal cancer, susceptibility to, 12. Last evaluated: 2025-02-07. Review status: criteria provided, single submitter. Criteria: Myriad Autosomal Dominant, Autosomal Recessive and X-Linked Classification Criteria (2023). Collection method: clinical testing. Allele origin: unknown.
Comment: This variant is considered benign. This variant is a silent/synonymous amino acid change and it is not expected to impact splicing.

GeneDx
Classification: Uncertain significance. Last evaluated: 2024-02-21. Review status: criteria provided, single submitter. Criteria: GeneDx Variant Classification Process June 2021. Collection method: clinical testing. Allele origin: germline. Affected: yes.
Comment: Not observed at significant frequency in large population cohorts (gnomAD); In silico analysis is inconclusive as to whether the variant alters gene splicing. In the absence of RNA/functional studies, the actual effect of this sequence change is unknown.; Has not been previously published as pathogenic or benign to our knowledge

Quest Diagnostics Nichols Institute San Juan Capistrano
Classification: Uncertain significance. Last evaluated: 2023-06-23. Review status: criteria provided, single submitter. Criteria: Quest Diagnostics criteria. Collection method: clinical testing. Allele origin: unknown.
Comment: To the best of our knowledge, this variant has not been reported in the published literature. The frequency of this variant in the general population, 0.000011 (3/281636 chromosomes (Genome Aggregation Database)), is uninformative in the assessment of its pathogenicity. Analysis of this variant using software algorithms for the prediction of the effect of nucleotide changes on POLE mRNA splicing yielded inconclusive findings . Based on the available information, we are unable to determine the clinical significance of this variant.

Ambry Genetics
Classification: Likely benign for Hereditary cancer-predisposing syndrome. Last evaluated: 2016-02-08. Review status: criteria provided, single submitter. Criteria: Ambry Variant Classification Scheme 2023. Collection method: clinical testing. Allele origin: germline.